The following is an entry in ClinVar:

NM_001371986.1(UNC80):c.5913del (p.Glu1971fs)

Gene: UNC80 (unc-80 subunit of NALCN channel complex; plus strand). Cytogenetic location: 2q34.
Variant type: Deletion.
Coding change: c.5913del on transcript NM_001371986.1 (MANE Select); coding-DNA position 5913, one base deleted (G; older notation c.5913delG).
Protein change: p.Glu1971fs; shifts the reading frame from glutamic acid 1971.
Molecular consequence: frameshift variant.
Genome position (GRCh38, 1-based): chr2:209,930,973, G deleted. VCF-style (leftmost placement, unchanged base first): chr2-209930972-AG-A. GRCh37 (hg19) VCF-style: chr2-210795696-AG-A.
Other names: c.5715del, p.Glu1905fs (NM_032504.2); c.5700del, p.Glu1900fs (NM_182587.4); short protein forms E1900fs, E1905fs, E1971fs.
Identifiers: ClinVar variation 2113560 (VCV002113560.4), dbSNP rs2471148791, ClinGen allele CA2580065508.

ClinVar aggregate classification (germline): Pathogenic (1 of 4 stars; one submission).

Submission:

Labcorp Genetics (formerly Invitae), Labcorp
Classification: Pathogenic. Last evaluated: 2022-03-18. Review status: criteria provided, single submitter. Criteria: Invitae Variant Classification Sherloc (09022015). Collection method: clinical testing. Allele origin: germline.
Comment: This sequence change creates a premature translational stop signal (p.Glu1905Aspfs*2) in the UNC80 gene. It is expected to result in an absent or disrupted protein product. Loss-of-function variants in UNC80 are known to be pathogenic (PMID: 26545877, 26708751, 26708753). This variant is not present in population databases (gnomAD no frequency). This variant has not been reported in the literature in individuals affected with UNC80-related conditions. For these reasons, this variant has been classified as Pathogenic.

Literature cited by the submitters: PubMed 26545877; PubMed 26708751; PubMed 26708753.